The following is an entry in ClinVar:

NM_003227.4(TFR2):c.1767+5G>A

Gene: TFR2 (transferrin receptor 2; minus strand). Cytogenetic location: 7q22.1.
Variant type: single nucleotide variant.
Coding change: c.1767+5G>A on transcript NM_003227.4 (MANE Select); 5 bases into the intron after coding-DNA position 1767, G replaced by A.
Molecular consequence: intron variant.
Genome position (GRCh38, 1-based): chr7:100,627,572, C>T on the plus strand (G>A on the coding strand, the complement: TFR2 is on the minus strand). VCF-style: chr7-100627572-C-T. GRCh37 (hg19) VCF-style: chr7-100225195-C-T.
Other names: c.1254+5G>A (NM_001206855.3).
Identifiers: ClinVar variation 1416562 (VCV001416562.4), dbSNP rs894600504, ClinGen allele CA163275928.

ClinVar aggregate classification (germline): Uncertain significance (1 of 4 stars; one submission).

Conditions:
Hereditary hemochromatosis (HFE). Identifiers: MedGen C0392514, MONDO:0006507. Disease mechanism: loss of function.

Allele frequency attached by ClinVar (database versions not stated): gnomAD exomes 0.00002.
gnomAD v4.1: 17 of 1,614,154 alleles (0.0011%); highest among the groups gnomAD compares: African/African-American, 0.0027%; no homozygotes.

Submission:

Labcorp Genetics (formerly Invitae), Labcorp
Classification: Uncertain significance for Hereditary hemochromatosis. Last evaluated: 2021-05-11. Review status: criteria provided, single submitter. Criteria: Invitae Variant Classification Sherloc (09022015). Collection method: clinical testing. Allele origin: germline.
Comment: In summary, the available evidence is currently insufficient to determine the role of this variant in disease. Therefore, it has been classified as a Variant of Uncertain Significance. Nucleotide substitutions within the consensus splice site are a relatively common cause of aberrant splicing (PMID: 17576681, 9536098). Algorithms developed to predict the effect of sequence changes on RNA splicing suggest that this variant may disrupt the consensus splice site, but this prediction has not been confirmed by published transcriptional studies. This variant has not been reported in the literature in individuals with TFR2-related conditions. This variant is not present in population databases (ExAC no frequency). This sequence change falls in intron 15 of the TFR2 gene. It does not directly change the encoded amino acid sequence of the TFR2 protein. It affects a nucleotide within the consensus splice site of the intron.

Literature cited by the submitters: PubMed 17576681; PubMed 9536098.